The following is an entry in ClinVar:

NM_000070.3(CAPN3):c.2375T>C (p.Met792Thr)

Gene: CAPN3 (calpain 3; plus strand). Cytogenetic location: 15q15.1.
Variant type: single nucleotide variant.
Coding change: c.2375T>C on transcript NM_000070.3 (MANE Select); coding-DNA position 2375, T replaced by C.
Protein change: p.Met792Thr; replaces methionine 792 with threonine.
Molecular consequence: missense variant.
Genome position (GRCh38, 1-based): chr15:42,410,995, T>C. VCF-style: chr15-42410995-T-C. GRCh37 (hg19) VCF-style: chr15-42703193-T-C.
Other names: c.2357T>C, p.Met786Thr (NM_024344.2); c.2099T>C, p.Met700Thr (NM_173087.2); c.839T>C, p.Met280Thr (NM_173088.2); c.380T>C, p.Met127Thr (NM_173089.2, NM_173090.2); c.*1473T>C (NM_212464.2); c.*2050T>C (NM_212467.2); short protein forms M280T, M786T, M792T, M127T, M700T.
Identifiers: ClinVar variation 2047784 (VCV002047784.2), dbSNP rs2054206816, ClinGen allele CA392002201.

ClinVar aggregate classification (germline): Uncertain significance (1 of 4 stars; one submission).

Conditions:
Autosomal recessive limb-girdle muscular dystrophy type 2A (LGMDR1). Also called: LEYDEN-MOEBIUS MUSCULAR DYSTROPHY; MUSCULAR DYSTROPHY, PELVOFEMORAL; Muscular dystrophy, limb-girdle, type 2A, Amish; Limb-girdle muscular dystrophy, type 2A; Calpainopathy. Identifiers: Orphanet 267, MedGen C1869123, MONDO:0009675, OMIM 253600. Disease mechanism: loss of function.

Allele frequency attached by ClinVar (database versions not stated): gnomAD exomes 0.00001.
gnomAD v4.1: 5 of 1,612,090 alleles (0.00031%); highest among the groups gnomAD compares: Non-Finnish European, 0.00042%; no homozygotes.

Submission:

Labcorp Genetics (formerly Invitae), Labcorp
Classification: Uncertain significance for Autosomal recessive limb-girdle muscular dystrophy type 2A. Last evaluated: 2025-11-11. Review status: criteria provided, single submitter. Criteria: Invitae Variant Classification Sherloc (09022015). Collection method: clinical testing. Allele origin: germline.
Comment: This sequence change replaces methionine, which is neutral and non-polar, with threonine, which is neutral and polar, at codon 792 of the CAPN3 protein (p.Met792Thr). This variant is not present in population databases (gnomAD no frequency). This variant has not been reported in the literature in individuals affected with CAPN3-related conditions. ClinVar contains an entry for this variant (Variation ID: 2047784). Invitae Evidence Modeling of protein sequence and biophysical properties (such as structural, functional, and spatial information, amino acid conservation, physicochemical variation, residue mobility, and thermodynamic stability) indicates that this missense variant is not expected to disrupt CAPN3 protein function with a negative predictive value of 80%. This variant disrupts the p.Met792 amino acid residue in CAPN3. Other variant(s) that disrupt this residue have been observed in individuals with CAPN3-related conditions (PMID: 17994539, 33337384), which suggests that this may be a clinically significant amino acid residue. In summary, the available evidence is currently insufficient to determine the role of this variant in disease. Therefore, it has been classified as a Variant of Uncertain Significance.

Literature cited by the submitters: PubMed 17994539; PubMed 33337384.